The following is an entry in ClinVar:

NM_001292034.3(TAB2):c.1340_1341del (p.Ser447fs)

Genes: TAB2 (TGF-beta activated kinase 1 (MAP3K7) binding protein 2; plus strand), LOC126859827 (BRD4-independent group 4 enhancer GRCh37_chr6:149699707-149700906; plus strand). Cytogenetic location: 6q25.1.
Variant type: Microsatellite.
Coding change: c.1340_1341del on transcript NM_001292034.3 (MANE Select); coding-DNA positions 1340 to 1341, 2 bases deleted (CT; older notation c.1340_1341delCT).
Protein change: p.Ser447fs; shifts the reading frame from serine 447.
Molecular consequence: frameshift variant.
Genome position (GRCh38, 1-based): chr6:149,379,255-149,379,256, CT deleted; deleting any 2 consecutive bases within chr6:149,379,253-149,379,256 gives the same sequence; the c. name uses the placement nearest the transcript's 3' end. VCF-style (leftmost placement, unchanged base first): chr6-149379252-ACT-A. GRCh37 (hg19) VCF-style: chr6-149700388-ACT-A.
Other names: c.1340_1341del (NM_015093.5, NM_015093.4); c.1244_1245del, p.Ser415fs (NM_001292035.3); c.1340_1341del, p.Ser447fs (NM_001369506.1, NM_015093.6); short protein forms S415fs, S447fs.
Identifiers: ClinVar variation 1328249 (VCV001328249.5), dbSNP rs2114887873, ClinGen allele CA2580615794.

ClinVar aggregate classification (germline): Pathogenic/Likely pathogenic. Review status: criteria provided, multiple submitters, no conflicts (2 of 4 stars). 4 submissions from 4 submitters: Pathogenic (1); Likely pathogenic (1). 2 of the submissions do not count toward it. Last evaluated 2024-12-28.

Conditions:
Congenital heart defects, multiple types, 2 (CHTD2). Also called: Congenital heart defects, nonsyndromic, 2. Identifiers: Orphanet 664401, MedGen C3554279, MONDO:0014000, OMIM 614980.

Submissions (4):

GeneDx
Classification: Pathogenic. Last evaluated: 2024-12-28. Review status: criteria provided, single submitter. Criteria: GeneDx Variant Classification Process June 2021. Collection method: clinical testing. Allele origin: germline. Affected: yes.
Comment: Frameshift variant predicted to result in protein truncation or nonsense mediated decay in a gene for which loss-of-function is a known mechanism of disease; Not observed at significant frequency in large population cohorts (gnomAD); Has not been previously published as pathogenic or benign to our knowledge

Rady Children's Institute for Genomic Medicine, Rady Children's Hospital San Diego
Classification: Likely pathogenic for Congenital heart defects, multiple types, 2. Review status: criteria provided, single submitter. Criteria: ACMG Guidelines, 2015. Collection method: clinical testing. Allele origin: germline. Affected: yes.
Comment: This frameshifting variant in exon 3 of 7 introduces a premature stop codon and is therefore predicted to result in loss of normal protein function through either protein truncation or nonsense-mediated mRNA decay (NMD). This variant has not been previously reported or functionally characterized in the literature to our knowledge. Loss-of-function variation in TAB2 is an established mechanism of disease (PMID: 34995729, 34906501). The c.1340_1341del (p.Ser447CysfsTer25) variant is absent from the gnomAD population database and thus is presumed to be rare. Based on the available evidence, the c.1340_1341del (p.Ser447CysfsTer25) variant is classified as Likely Pathogenic.

Clinical Genetics DNA and cytogenetics Diagnostics Lab, Erasmus MC, Erasmus Medical Center
Classification: Pathogenic. Review status: no assertion criteria provided. Collection method: clinical testing. Allele origin: germline. Affected: yes. Study: VKGL Data-share Consensus. Not counted in ClinVar's aggregate classification.

Genome Diagnostics Laboratory, Amsterdam University Medical Center
Classification: Pathogenic. Review status: no assertion criteria provided. Collection method: clinical testing. Allele origin: germline. Affected: yes. Study: VKGL Data-share Consensus. Not counted in ClinVar's aggregate classification.